The following is an entry in ClinVar:

ClinVar aggregate classification (germline): Likely benign (1 of 4 stars; one submission).

Allele frequency attached by ClinVar (database versions not stated): gnomAD 0.00610; TOPMed 0.00647; ExAC 0.00684; ESP Exome Variant Server 0.00692; 1000 Genomes Project 0.00319; 1000 Genomes Project 30x 0.00344.
gnomAD v4.1: 14,423 of 1,610,572 alleles (0.9%); highest among the groups gnomAD compares: Non-Finnish European, 1%; 98 homozygotes.

Submission:

CeGaT Center for Human Genetics Tuebingen
Classification: Likely benign. Last evaluated: 2022-11-01. Review status: criteria provided, single submitter. Criteria: CeGaT Center For Human Genetics Tuebingen Variant Classification Criteria Version 2. Collection method: clinical testing. Allele origin: germline. Affected: yes. Observed: 1 variant allele.
Comment: HEATR1: BP4, BS2

NM_018072.6(HEATR1):c.4888A>G (p.Asn1630Asp)

Gene: HEATR1 (HEAT repeat containing 1; minus strand). Cytogenetic location: 1q43.
Variant type: single nucleotide variant.
Coding change: c.4888A>G on transcript NM_018072.6 (MANE Select); coding-DNA position 4888, A replaced by G.
Protein change: p.Asn1630Asp; replaces asparagine 1630 with aspartic acid.
Molecular consequence: missense variant.
Genome position (GRCh38, 1-based): chr1:236,559,018, T>C on the plus strand (A>G on the coding strand, the complement: HEATR1 is on the minus strand). VCF-style: chr1-236559018-T-C. GRCh37 (hg19) VCF-style: chr1-236722318-T-C.
Other names: short protein forms N1630D.
Identifiers: ClinVar variation 2640105 (VCV002640105.24), dbSNP rs115054974, ClinGen allele CA1471194.